The following is an entry in ClinVar:

ClinVar aggregate classification (germline): Uncertain significance. Review status: criteria provided, multiple submitters, no conflicts (2 of 4 stars). 8 submissions from 7 submitters: Uncertain significance (8). Last evaluated 2025-10-14.

Conditions:
Charcot-Marie-Tooth disease, axonal, with vocal cord paresis, autosomal recessive. Also called: CHARCOT-MARIE-TOOTH DISEASE, TYPE 4A, AXONAL FORM; CHARCOT-MARIE-TOOTH NEUROPATHY, AXONAL, WITH VOCAL CORD PARESIS, AUTOSOMAL RECESSIVE; CMT2 WITH VOCAL CORD PARESIS, AUTOSOMAL RECESSIVE. Identifiers: Orphanet 101097, MedGen C1843183, MONDO:0011898, OMIM 607706.
Charcot-Marie-Tooth disease type 4A. Also called: Charcot-Marie-Tooth disease, demyelinating, autosomal recessive, type 4a. Identifiers: Orphanet 99948, MedGen C1859198, MONDO:0008961, OMIM 214400.
Charcot-Marie-Tooth disease recessive intermediate A (CMTRIA). Also called: CHARCOT-MARIE-TOOTH NEUROPATHY, RECESSIVE INTERMEDIATE A. Identifiers: Orphanet 217055, MedGen C1842197, MONDO:0012014, OMIM 608340.
GDAP1-related disorder. Also called: GDAP1-related condition; GDAP1-related disorders.
Inborn genetic diseases. Identifiers: MedGen C0950123, MeSH D030342.

Allele frequency attached by ClinVar (database versions not stated): gnomAD 0.00006 and 0.00007; gnomAD exomes 0.00008 and 0.00010; TOPMed 0.00009; ExAC 0.00014.
gnomAD v4.1: 130 of 1,613,952 alleles (0.0081%); highest among the groups gnomAD compares: Non-Finnish European, 0.0092%; 1 homozygote.

Submissions (8):

Athena Diagnostics
Classification: Uncertain significance. Last evaluated: 2025-10-14. Review status: criteria provided, single submitter. Criteria: Athena Diagnostics Criteria. Collection method: clinical testing. Allele origin: unknown.
Comment: Available data are insufficient to determine the clinical significance of the variant at this time. The frequency of this variant in the general population is higher than would generally be expected for pathogenic variants in this gene. Polyphen and MutationTaster predict this amino acid change may be benign.

PreventionGenetics, part of Exact Sciences
Classification: Uncertain significance for GDAP1-related condition. Last evaluated: 2025-05-22. Review status: criteria provided, single submitter. Criteria: ACMG Guidelines, 2015. Collection method: clinical testing. Allele origin: germline.
Comment: The GDAP1 c.1039A>G variant is predicted to result in the amino acid substitution p.Met347Val. To our knowledge, this variant has not been reported in the literature. This variant is reported in 0.019% of alleles in individuals of European (non-Finnish) descent in gnomAD. At this time, the clinical significance of this variant is uncertain due to the absence of conclusive functional and genetic evidence.

Ambry Genetics
Classification: Uncertain significance for Inborn genetic diseases. Last evaluated: 2024-04-01. Review status: criteria provided, single submitter. Criteria: Ambry Variant Classification Scheme 2023. Collection method: clinical testing. Allele origin: germline.

Blueprint Genetics
Classification: Uncertain significance. Last evaluated: 2024-02-02. Review status: criteria provided, single submitter. Criteria: ACMG Guidelines, 2015. Collection method: clinical testing. Allele origin: germline.

Labcorp Genetics (formerly Invitae), Labcorp
Classification: Uncertain significance for Charcot-Marie-Tooth disease type 4A. Last evaluated: 2023-09-08. Review status: criteria provided, single submitter. Criteria: Invitae Variant Classification Sherloc (09022015). Collection method: clinical testing. Allele origin: germline.
Comment: ClinVar contains an entry for this variant (Variation ID: 845803). In summary, the available evidence is currently insufficient to determine the role of this variant in disease. Therefore, it has been classified as a Variant of Uncertain Significance. Algorithms developed to predict the effect of missense changes on protein structure and function output the following: SIFT: "Not Available"; PolyPhen-2: "Benign"; Align-GVGD: "Not Available". The valine amino acid residue is found in multiple mammalian species, which suggests that this missense change does not adversely affect protein function. This variant has not been reported in the literature in individuals affected with GDAP1-related conditions. This variant is present in population databases (rs112786851, gnomAD 0.02%). This sequence change replaces methionine, which is neutral and non-polar, with valine, which is neutral and non-polar, at codon 347 of the GDAP1 protein (p.Met347Val).

GeneDx
Classification: Uncertain significance. Last evaluated: 2023-03-19. Review status: criteria provided, single submitter. Criteria: GeneDx Variant Classification Process June 2021. Collection method: clinical testing. Allele origin: germline. Affected: yes.
Comment: In silico analysis supports that this missense variant does not alter protein structure/function; Has not been previously published as pathogenic or benign to our knowledge

Illumina Laboratory Services, Illumina
Classification: Uncertain significance for Charcot-Marie-Tooth disease recessive intermediate A. Last evaluated: 2018-01-12. Review status: criteria provided, single submitter. Criteria: ICSL Variant Classification Criteria 13 December 2019. Collection method: clinical testing. Allele origin: germline.

Illumina Laboratory Services, Illumina
Classification: Uncertain significance for Charcot-Marie-Tooth disease, axonal, with vocal cord paresis, autosomal recessive. Last evaluated: 2018-01-12. Review status: criteria provided, single submitter. Criteria: ICSL Variant Classification Criteria 13 December 2019. Collection method: clinical testing. Allele origin: germline.

Literature cited by the submitters: PubMed 26392352 (cited by Athena Diagnostics); PubMed 25614874 (cited by Athena Diagnostics).

NM_018972.4(GDAP1):c.1039A>G (p.Met347Val)

Gene: GDAP1 (ganglioside induced differentiation associated protein 1; plus strand). Cytogenetic location: 8q21.11.
Variant type: single nucleotide variant.
Coding change: c.1039A>G on transcript NM_018972.4 (MANE Select); coding-DNA position 1039, A replaced by G.
Protein change: p.Met347Val; replaces methionine 347 with valine.
Molecular consequence: missense variant. On other transcripts: intron variant (1).
Genome position (GRCh38, 1-based): chr8:74,364,329, A>G. VCF-style: chr8-74364329-A-G. GRCh37 (hg19) VCF-style: chr8-75276564-A-G.
Other names: c.835A>G, p.Met279Val (NM_001040875.4); c.712A>G, p.Met238Val (NM_001362929.2, NM_001362932.2); c.865A>G, p.Met289Val (NM_001362930.2); c.694+1276A>G (NM_001362931.2); short protein forms M238V, M347V, M279V, M289V.
Identifiers: ClinVar variation 845803 (VCV000845803.21), dbSNP rs112786851, ClinGen allele CA4785229.
Genomic context (GRCh38, chr8:74,364,329, plus strand): 5'-GGTTTGCTTGCAGGAGTGGGATATTTTGCTTTTATGCTTTTCAGAAAGAGGCTTGGCAGC[A>G]TGATATTAGCATTTAGACCCAGACCAAATTATTTCTAGGTTTGTTGGGATCTTGTCGTGG-3'
Protein context (NP_061845.2, residues 337-357): FMLFRKRLGS[Met347Val]ILAFRPRPNY